The following is an entry in ClinVar:

NM_178565.5(RSPO2):c.59A>G (p.His20Arg)

Genes: RSPO2 (R-spondin 2; minus strand), LOC124174315 (Sharpr-MPRA regulatory region 222; plus strand). Cytogenetic location: 8q23.1.
Variant type: single nucleotide variant.
Coding change: c.59A>G on transcript NM_178565.5 (MANE Select); coding-DNA position 59, A replaced by G.
Protein change: p.His20Arg; replaces histidine 20 with arginine.
Molecular consequence: missense variant.
Genome position (GRCh38, 1-based): chr8:108,082,580, T>C on the plus strand (A>G on the coding strand, the complement: RSPO2 is on the minus strand). VCF-style: chr8-108082580-T-C. GRCh37 (hg19) VCF-style: chr8-109094808-T-C.
Other names: c.59A>G, p.His20Arg (NM_001282863.2); short protein forms H20R.
Identifiers: ClinVar variation 3659805 (VCV003659805.2).
Genomic context (GRCh38, chr8:108,082,580, plus strand): 5'-GCACCTTTGGCAGAGAGGGACCCACCTCGCTTACTGCGTCTCCATCGGTTGCCTTGGCAG[T>C]GGCTGTAATCCATGCAGTTCAGAATGATGAGGGCAAAGGAGAAAAGGCGAAACTGCATCT-3'
Protein context (NP_848660.3, residues 10-30): LIILNCMDYS[His20Arg]CQGNRWRRSK

ClinVar aggregate classification (germline): Uncertain significance (1 of 4 stars; one submission).

Submission:

Labcorp Genetics (formerly Invitae), Labcorp
Classification: Uncertain significance. Last evaluated: 2024-12-09. Review status: criteria provided, single submitter. Criteria: Invitae Variant Classification Sherloc (09022015). Collection method: clinical testing. Allele origin: germline.
Comment: This sequence change replaces histidine, which is basic and polar, with arginine, which is basic and polar, at codon 20 of the RSPO2 protein (p.His20Arg). This variant is not present in population databases (gnomAD no frequency). This variant has not been reported in the literature in individuals affected with RSPO2-related conditions. Invitae Evidence Modeling of protein sequence and biophysical properties (such as structural, functional, and spatial information, amino acid conservation, physicochemical variation, residue mobility, and thermodynamic stability) indicates that this missense variant is not expected to disrupt RSPO2 protein function with a negative predictive value of 80%. In summary, the available evidence is currently insufficient to determine the role of this variant in disease. Therefore, it has been classified as a Variant of Uncertain Significance.